The following is an entry in ClinVar:

NM_001065.4(TNFRSF1A):c.14C>A (p.Thr5Asn)

Gene: TNFRSF1A (TNF receptor superfamily member 1A; minus strand). Cytogenetic location: 12p13.31.
Variant type: single nucleotide variant.
Coding change: c.14C>A on transcript NM_001065.4 (MANE Select); coding-DNA position 14, C replaced by A.
Protein change: p.Thr5Asn; replaces threonine 5 with asparagine.
Molecular consequence: missense variant. On other transcripts: 5 prime UTR variant (2), non-coding transcript variant (1).
Genome position (GRCh38, 1-based): chr12:6,341,801, G>T on the plus strand (C>A on the coding strand, the complement: TNFRSF1A is on the minus strand). VCF-style: chr12-6341801-G-T. GRCh37 (hg19) VCF-style: chr12-6450967-G-T.
Other names: c.-157C>A (NM_001346091.2); c.-564C>A (NM_001346092.2); short protein forms T5N.
Identifiers: ClinVar variation 956919 (VCV000956919.9), dbSNP rs1948198919, ClinGen allele CA383551758.

ClinVar aggregate classification (germline): Uncertain significance (1 of 4 stars; one submission).

Conditions:
TNF receptor-associated periodic fever syndrome (TRAPS) (FPF). Also called: Autosomal Dominant Familial Periodic Fever; TNF Receptor-Associated Periodic Fever Syndrome; TNF receptor 1-associated periodic fever syndrome; FAMILIAL HIBERNIAN FEVER; TNF RECEPTOR-ASSOCIATED PERIODIC SYNDROME; TUMOR NECROSIS FACTOR RECEPTOR-ASSOCIATED PERIODIC SYNDROME. Identifiers: Orphanet 32960, MedGen C1275126, MONDO:0007727, OMIM 142680.

Submission:

Labcorp Genetics (formerly Invitae), Labcorp
Classification: Uncertain significance for TNF receptor-associated periodic fever syndrome (TRAPS). Last evaluated: 2024-02-19. Review status: criteria provided, single submitter. Criteria: Invitae Variant Classification Sherloc (09022015). Collection method: clinical testing. Allele origin: germline.
Comment: This sequence change replaces threonine, which is neutral and polar, with asparagine, which is neutral and polar, at codon 5 of the TNFRSF1A protein (p.Thr5Asn). This variant is not present in population databases (gnomAD no frequency). This variant has not been reported in the literature in individuals affected with TNFRSF1A-related conditions. ClinVar contains an entry for this variant (Variation ID: 956919). Advanced modeling of protein sequence and biophysical properties (such as structural, functional, and spatial information, amino acid conservation, physicochemical variation, residue mobility, and thermodynamic stability) has been performed at Invitae for this missense variant, however the output from this modeling did not meet the statistical confidence thresholds required to predict the impact of this variant on TNFRSF1A protein function. In summary, the available evidence is currently insufficient to determine the role of this variant in disease. Therefore, it has been classified as a Variant of Uncertain Significance.